The following is an entry in ClinVar:

NM_000483.5(APOC2):c.296G>A (p.Gly99Glu)

Genes: APOC2 (apolipoprotein C2; plus strand), APOC4-APOC2 (APOC4-APOC2 readthrough (NMD candidate); plus strand). Cytogenetic location: 19q13.32.
Variant type: single nucleotide variant.
Coding change: c.296G>A on transcript NM_000483.5 (MANE Select); coding-DNA position 296, G replaced by A.
Protein change: p.Gly99Glu; replaces glycine 99 with glutamic acid.
Molecular consequence: missense variant. On other transcripts: non-coding transcript variant (1).
Genome position (GRCh38, 1-based): chr19:44,949,239, G>A. VCF-style: chr19-44949239-G-A. GRCh37 (hg19) VCF-style: chr19-45452496-G-A.
Other names: short protein forms G99E.
Identifiers: ClinVar variation 2447634 (VCV002447634.2), dbSNP rs2513573448, ClinGen allele CA406295499.

ClinVar aggregate classification (germline): Uncertain significance (1 of 4 stars; one submission).

Conditions:
Cardiovascular phenotype. Identifiers: MedGen CN230736.

Submission:

Ambry Genetics
Classification: Uncertain significance for Cardiovascular phenotype. Last evaluated: 2022-11-20. Review status: criteria provided, single submitter. Criteria: Ambry Variant Classification Scheme 2023. Collection method: clinical testing. Allele origin: germline.
Comment: The p.G99E variant (also known as c.296G>A), located in coding exon 3 of the APOC2 gene, results from a G to A substitution at nucleotide position 296. The glycine at codon 99 is replaced by glutamic acid, an amino acid with similar properties. This amino acid position is conserved. In addition, the in silico prediction for this alteration is inconclusive. Since supporting evidence is limited at this time, the clinical significance of this alteration remains unclear.